The following is an entry in ClinVar:

ClinVar aggregate classification (germline): Uncertain significance. Review status: criteria provided, multiple submitters, no conflicts (2 of 4 stars). 2 submissions from 2 submitters: Uncertain significance (2). Last evaluated 2026-08-25.

Conditions:
TREM2-related disorder. Also called: TREM2-related condition.

Allele frequency attached by ClinVar (database versions not stated): gnomAD exomes 0.00003 and 0.00005; ExAC 0.00004; gnomAD 0.00004 and 0.00005; ESP Exome Variant Server 0.00008; TOPMed 0.00009.
gnomAD v4.1: 47 of 1,614,048 alleles (0.0029%); highest among the groups gnomAD compares: South Asian, 0.015%; no homozygotes.

Submissions (2):

PreventionGenetics, part of Exact Sciences
Classification: Uncertain significance for TREM2-related condition. Last evaluated: 2026-08-25. Review status: criteria provided, single submitter. Criteria: ACMG Guidelines, 2015. Collection method: clinical testing. Allele origin: germline.
Comment: The TREM2 c.689C>T variant is predicted to result in the amino acid substitution p.Thr230Met. This variant has been reported in an individual with Alzheimer disease; however, it was also observed in one control individual (Table S4, Olive et al. 2020. PubMed ID: 32894242). This variant is reported in 0.026% of alleles in individuals of South Asian descent in gnomAD. At this time, the clinical significance of this variant is uncertain due to the absence of conclusive functional and genetic evidence.

Labcorp Genetics (formerly Invitae), Labcorp
Classification: Uncertain significance. Last evaluated: 2021-10-29. Review status: criteria provided, single submitter. Criteria: Invitae Variant Classification Sherloc (09022015). Collection method: clinical testing. Allele origin: germline.
Comment: This sequence change replaces threonine, which is neutral and polar, with methionine, which is neutral and non-polar, at codon 230 of the TREM2 protein (p.Thr230Met). This variant is present in population databases (rs368921728, gnomAD 0.02%). This variant has not been reported in the literature in individuals affected with TREM2-related conditions. Algorithms developed to predict the effect of missense changes on protein structure and function output the following: SIFT: "Tolerated"; PolyPhen-2: "Benign"; Align-GVGD: "Class C0". The methionine amino acid residue is found in multiple mammalian species, which suggests that this missense change does not adversely affect protein function. In summary, the available evidence is currently insufficient to determine the role of this variant in disease. Therefore, it has been classified as a Variant of Uncertain Significance.

NM_018965.4(TREM2):c.689C>T (p.Thr230Met)

Gene: TREM2 (triggering receptor expressed on myeloid cells 2; minus strand). Cytogenetic location: 6p21.1.
Variant type: single nucleotide variant.
Coding change: c.689C>T on transcript NM_018965.4 (MANE Select); coding-DNA position 689, C replaced by T.
Protein change: p.Thr230Met; replaces threonine 230 with methionine.
Molecular consequence: missense variant. On other transcripts: synonymous variant (1).
Genome position (GRCh38, 1-based): chr6:41,158,768, G>A on the plus strand (C>T on the coding strand, the complement: TREM2 is on the minus strand). VCF-style: chr6-41158768-G-A. GRCh37 (hg19) VCF-style: chr6-41126506-G-A.
Other names: c.495C>T, p.His165= (NM_001271821.2); c.689C>T (NM_018965.3); short protein forms T230M.
Identifiers: ClinVar variation 1409635 (VCV001409635.4), dbSNP rs368921728, ClinGen allele CA3798804.